The following is an entry in ClinVar:

NM_000138.5(FBN1):c.2302G>T (p.Glu768Ter)

Gene: FBN1 (fibrillin 1; minus strand). Cytogenetic location: 15q21.1.
Variant type: single nucleotide variant.
Coding change: c.2302G>T on transcript NM_000138.5 (MANE Select); coding-DNA position 2302, G replaced by T.
Protein change: p.Glu768Ter; replaces glutamic acid 768 with a stop codon.
Molecular consequence: nonsense.
Genome position (GRCh38, 1-based): chr15:48,496,217, C>A on the plus strand (G>T on the coding strand, the complement: FBN1 is on the minus strand). VCF-style: chr15-48496217-C-A. GRCh37 (hg19) VCF-style: chr15-48788414-C-A.
Other names: c.2302G>T, p.Glu768Ter (NM_001406716.1); short protein forms E768*.
Identifiers: ClinVar variation 2950380 (VCV002950380.3), dbSNP rs2505573862, ClinGen allele CA392335542.

ClinVar aggregate classification (germline): Pathogenic (1 of 4 stars; one submission).

Conditions:
Marfan syndrome (MFS). Also called: MARFAN SYNDROME, TYPE I; Marfan syndrome type 1; Marfan's syndrome; Marfan syndrome, classic; FBN1-Related Marfan Syndrome. Identifiers: Orphanet 284963, Orphanet 558, MedGen C0024796, MONDO:0007947, OMIM 154700.
Familial thoracic aortic aneurysm and aortic dissection (TAAD). Also called: Thoracic aortic aneurysms and dissections. Identifiers: Orphanet 91387, MedGen C4707243, MONDO:0019625.

Submission:

Labcorp Genetics (formerly Invitae), Labcorp
Classification: Pathogenic for Marfan syndrome; Familial thoracic aortic aneurysm and aortic dissection. Last evaluated: 2023-07-28. Review status: criteria provided, single submitter. Criteria: Invitae Variant Classification Sherloc (09022015). Collection method: clinical testing. Allele origin: germline.
Comment: For these reasons, this variant has been classified as Pathogenic. This variant has not been reported in the literature in individuals affected with FBN1-related conditions. This variant is not present in population databases (gnomAD no frequency). This sequence change creates a premature translational stop signal (p.Glu768*) in the FBN1 gene. It is expected to result in an absent or disrupted protein product. Loss-of-function variants in FBN1 are known to be pathogenic (PMID: 17657824, 19293843).

Literature cited by the submitters: PubMed 17657824; PubMed 19293843.